The following is an entry in ClinVar:

ClinVar aggregate classification (germline): Uncertain significance (1 of 4 stars; one submission).

Conditions:
Arrhythmogenic cardiomyopathy with wooly hair and keratoderma. Also called: PALMOPLANTAR KERATODERMA WITH LEFT VENTRICULAR CARDIOMYOPATHY AND WOOLLY HAIR; Carvajal syndrome; Dilated cardiomyopathy with woolly hair and keratoderma; Arrhythmogenic cardiomyopathy with woolly hair and keratoderma. Identifiers: Orphanet 65282, MedGen C1854063, MONDO:0011581, OMIM 605676.

Submission:

All of Us Research Program, National Institutes of Health
Classification: Uncertain significance for Arrhythmogenic cardiomyopathy with wooly hair and keratoderma. Last evaluated: 2023-11-02. Review status: criteria provided, single submitter. Criteria: ACMG Guidelines, 2015. Collection method: clinical testing. Allele origin: germline. Inheritance: Autosomal dominant inheritance. Observed: 1 variant allele, 1 heterozygote.
Comment: This missense variant replaces valine with isoleucine at codon 2590 of the DSP protein. Computational prediction suggests that this variant may not impact protein structure and function (internally defined REVEL score threshold <= 0.5, PMID: 27666373). To our knowledge, functional studies have not been reported for this variant. This variant has not been reported in individuals affected with DSP-related disorders in the literature. This variant has not been identified in the general population by the Genome Aggregation Database (gnomAD). The available evidence is insufficient to determine the role of this variant in disease conclusively. Therefore, this variant is classified as a Variant of Uncertain Significance.

This study involves interpretation of variants in research participants for the purpose of population health screening. Participant phenotype was not available at the time of variant classification. Additional details can be found in publication PMID: 35346344, PMCID: PMC8962531

NM_004415.4(DSP):c.7768G>A (p.Val2590Ile)

Gene: DSP (desmoplakin; plus strand). Cytogenetic location: 6p24.3.
Variant type: single nucleotide variant.
Coding change: c.7768G>A on transcript NM_004415.4 (MANE Select); coding-DNA position 7768, G replaced by A.
Protein change: p.Val2590Ile; replaces valine 2590 with isoleucine.
Molecular consequence: missense variant.
Genome position (GRCh38, 1-based): chr6:7,585,030, G>A. VCF-style: chr6-7585030-G-A. GRCh37 (hg19) VCF-style: chr6-7585263-G-A.
Other names: c.5971G>A, p.Val1991Ile (NM_001008844.3); c.6439G>A, p.Val2147Ile (NM_001319034.2); short protein forms V1991I, V2147I, V2590I.
Identifiers: ClinVar variation 3074231 (VCV003074231.1), dbSNP rs2533947895, ClinGen allele CA362693734.